The following is an entry in ClinVar:

NM_004577.4(PSPH):c.386A>G (p.Asn129Ser)

Gene: PSPH (phosphoserine phosphatase; minus strand). Cytogenetic location: 7p11.2.
Variant type: single nucleotide variant.
Coding change: c.386A>G on transcript NM_004577.4 (MANE Select); coding-DNA position 386, A replaced by G.
Protein change: p.Asn129Ser; replaces asparagine 129 with serine.
Molecular consequence: missense variant.
Genome position (GRCh38, 1-based): chr7:56,017,269, T>C on the plus strand (A>G on the coding strand, the complement: PSPH is on the minus strand). VCF-style: chr7-56017269-T-C. GRCh37 (hg19) VCF-style: chr7-56084962-T-C.
Other names: c.386A>G, p.Asn129Ser (NM_001370503.1, NM_001370504.1, NM_001370505.1 and 17 more transcripts); short protein forms N129S.
Identifiers: ClinVar variation 1492699 (VCV001492699.5), dbSNP rs771251320, ClinGen allele CA4268652.

ClinVar aggregate classification (germline): Uncertain significance (1 of 4 stars; one submission).

Conditions:
Deficiency of phosphoserine phosphatase (PSPHD). Also called: Phosphoserine phosphatase deficiency; PSPH deficiency. Identifiers: Orphanet 79350, MedGen C1291463, MONDO:0013531, OMIM 614023.

Allele frequency attached by ClinVar (database versions not stated): gnomAD exomes below 0.00001; ExAC 0.00001; gnomAD 0.00001; TOPMed 0.00002.
gnomAD v4.1: 2 of 1,613,830 alleles (0.00012%); highest among the groups gnomAD compares: East Asian, 0.0022%; no homozygotes.

Submission:

Labcorp Genetics (formerly Invitae), Labcorp
Classification: Uncertain significance for Deficiency of phosphoserine phosphatase. Last evaluated: 2024-10-15. Review status: criteria provided, single submitter. Criteria: Invitae Variant Classification Sherloc (09022015). Collection method: clinical testing. Allele origin: germline.
Comment: This sequence change replaces asparagine, which is neutral and polar, with serine, which is neutral and polar, at codon 129 of the PSPH protein (p.Asn129Ser). This variant is present in population databases (rs771251320, gnomAD 0.007%). This variant has not been reported in the literature in individuals affected with PSPH-related conditions. ClinVar contains an entry for this variant (Variation ID: 1492699). An algorithm developed to predict the effect of missense changes on protein structure and function (PolyPhen-2) suggests that this variant is likely to be disruptive. In summary, the available evidence is currently insufficient to determine the role of this variant in disease. Therefore, it has been classified as a Variant of Uncertain Significance.